The following is an entry in ClinVar:

ClinVar aggregate classification (germline): Uncertain significance (1 of 4 stars; one submission).

Conditions:
Primary familial hypertrophic cardiomyopathy (HCM). Identifiers: Orphanet 99739, MedGen C0949658, MeSH D024741, MONDO:0024573. Inheritance: Various modes of inheritance.
Dilated cardiomyopathy 1AA (CMD1AA). Also called: CARDIOMYOPATHY, DILATED, 1AA, WITH OR WITHOUT LEFT VENTRICULAR NONCOMPACTION; CARDIOMYOPATHY, FAMILIAL HYPERTROPHIC, 23, WITH OR WITHOUT LEFT VENTRICULAR NONCOMPACTION; Cardiomyopathy, dilated, 1AA, with or without LVNC. Identifiers: Orphanet 154, MedGen C2677338, MONDO:0012808, OMIM 612158.

Submission:

Labcorp Genetics (formerly Invitae), Labcorp
Classification: Uncertain significance for Primary familial hypertrophic cardiomyopathy; Dilated cardiomyopathy 1AA. Last evaluated: 2025-07-13. Review status: criteria provided, single submitter. Criteria: Invitae Variant Classification Sherloc (09022015). Collection method: clinical testing. Allele origin: germline.
Comment: This sequence change replaces serine, which is neutral and polar, with tyrosine, which is neutral and polar, at codon 250 of the ACTN2 protein (p.Ser250Tyr). This variant is not present in population databases (gnomAD no frequency). This variant has not been reported in the literature in individuals affected with ACTN2-related conditions. Invitae Evidence Modeling of protein sequence and biophysical properties (such as structural, functional, and spatial information, amino acid conservation, physicochemical variation, residue mobility, and thermodynamic stability) indicates that this missense variant is expected to disrupt ACTN2 protein function with a positive predictive value of 80%. In summary, the available evidence is currently insufficient to determine the role of this variant in disease. Therefore, it has been classified as a Variant of Uncertain Significance.

NM_001103.4(ACTN2):c.749C>A (p.Ser250Tyr)

Gene: ACTN2 (actinin alpha 2; plus strand). Cytogenetic location: 1q43.
Variant type: single nucleotide variant.
Coding change: c.749C>A on transcript NM_001103.4 (MANE Select); coding-DNA position 749, C replaced by A.
Protein change: p.Ser250Tyr; replaces serine 250 with tyrosine.
Molecular consequence: missense variant. On other transcripts: non-coding transcript variant (1), intron variant (1).
Genome position (GRCh38, 1-based): chr1:236,735,686, C>A. VCF-style: chr1-236735686-C-A. GRCh37 (hg19) VCF-style: chr1-236898986-C-A.
Other names: c.783+1168C>A (NM_001278343.2); short protein forms S250Y.
Identifiers: ClinVar variation 4783289 (VCV004783289.1).